The following is an entry in ClinVar:

ClinVar aggregate classification (germline): Uncertain significance (1 of 4 stars; one submission).

Allele frequency attached by ClinVar (database versions not stated): gnomAD exomes 0.00001; gnomAD 0.00004.
gnomAD v4.1: 16 of 1,575,998 alleles (0.001%); highest among the groups gnomAD compares: African/African-American, 0.0014%; no homozygotes.

Submission:

Labcorp Genetics (formerly Invitae), Labcorp
Classification: Uncertain significance. Last evaluated: 2022-03-18. Review status: criteria provided, single submitter. Criteria: Invitae Variant Classification Sherloc (09022015). Collection method: clinical testing. Allele origin: germline.
Comment: This sequence change falls in intron 16 of the IFT88 gene. It does not directly change the encoded amino acid sequence of the IFT88 protein. It affects a nucleotide within the consensus splice site. This variant is present in population databases (no rsID available, gnomAD 0.01%). This variant has not been reported in the literature in individuals affected with IFT88-related conditions. Variants that disrupt the consensus splice site are a relatively common cause of aberrant splicing (PMID: 17576681, 9536098). Algorithms developed to predict the effect of sequence changes on RNA splicing suggest that this variant may disrupt the consensus splice site. In summary, the available evidence is currently insufficient to determine the role of this variant in disease. Therefore, it has been classified as a Variant of Uncertain Significance.

Literature cited by the submitters: PubMed 17576681; PubMed 9536098.

NM_006531.5(IFT88):c.1199+5G>A

Gene: IFT88 (intraflagellar transport 88; plus strand). Cytogenetic location: 13q12.11.
Variant type: single nucleotide variant.
Coding change: c.1199+5G>A on transcript NM_006531.5 (MANE Select); 5 bases into the intron after coding-DNA position 1199, G replaced by A.
Molecular consequence: intron variant.
Genome position (GRCh38, 1-based): chr13:20,615,884, G>A. VCF-style: chr13-20615884-G-A. GRCh37 (hg19) VCF-style: chr13-21190023-G-A.
Other names: c.1226+5G>A (NM_001318493.2, NM_175605.5, NM_001353566.2 and 2 more transcripts); c.1199+5G>A (NM_001353568.2, NM_001353572.2); c.1124+5G>A (NM_001353570.2, NM_001353576.2, NM_001353577.2 and 1 more transcripts); c.1097+5G>A (NM_001353571.2, NM_001353578.2); c.566+5G>A (NM_001353579.2); c.1142+5G>A (NM_001353575.2, NM_001318491.2); c.1056-9866G>A (NM_001353573.2); c.1040+5G>A (NM_001353574.2).
Identifiers: ClinVar variation 1428896 (VCV001428896.6), dbSNP rs1389055815, ClinGen allele CA608589176.
Genomic context (GRCh38, chr13:20,615,884, plus strand): 5'-TCTGCAAAACTCATTGCTCCTGTAATTGAAACATCTTTTGCTGCAGGTTATGATTGGTAA[G>A]AGAGAAAGTCTATAATACTGCATAGATGTGGTTTTTTTCATAATTTATACTTTTAAATTT-3'